The following is an entry in ClinVar:

NM_002473.6(MYH9):c.5484-13G>C

Gene: MYH9 (myosin heavy chain 9; minus strand). Cytogenetic location: 22q12.3.
Variant type: single nucleotide variant.
Coding change: c.5484-13G>C on transcript NM_002473.6 (MANE Select); 13 bases into the intron before coding-DNA position 5484, G replaced by C.
Molecular consequence: intron variant.
Genome position (GRCh38, 1-based): chr22:36,284,524, C>G on the plus strand (G>C on the coding strand, the complement: MYH9 is on the minus strand). VCF-style: chr22-36284524-C-G. GRCh37 (hg19) VCF-style: chr22-36680570-C-G.
Identifiers: ClinVar variation 179729 (VCV000179729.4), dbSNP rs727505086, ClinGen allele CA185010.
Genomic context (GRCh38, chr22:36,284,524, plus strand): 5'-AGCTTCTTCTCGGTCCGACGCACCTGTTTGCAGGCTGCCTGGCGCTCCCTGCATGACAGA[C>G]AAGGTGGCTCAGAGGGAACACCCTCCTTCAGAGGGTCCGGCCAACAAGCCCTAACCAGGA-3'

ClinVar aggregate classification (germline): Likely benign (1 of 4 stars; one submission).

gnomAD v4.1: 1 of 1,610,948 alleles (0.000062%); highest among the groups gnomAD compares: Non-Finnish European, 0.000085%; no homozygotes.

Submission:

Laboratory for Molecular Medicine, Mass General Brigham Personalized Medicine
Classification: Likely benign. Last evaluated: 2014-05-23. Review status: criteria provided, single submitter. Criteria: LMM Criteria. Collection method: clinical testing. Allele origin: germline. Observed: 1 variant allele.
Comment: 5484-13G>C in intron 38 of MYH9: This variant is not expected to have clinical significance because a cytosine (C) at this position does not diverge from the s plice consensus sequence and computational tools do not suggest an impact to spl icing.